The following is an entry in ClinVar:

ClinVar aggregate classification (germline): Pathogenic (1 of 4 stars; one submission).

Conditions:
Hereditary cancer-predisposing syndrome. Also called: Tumor predisposition; Neoplastic Syndromes, Hereditary; Hereditary neoplastic syndrome; Hereditary Cancer Syndrome. Identifiers: Orphanet 140162, MedGen C0027672, MeSH D009386, MONDO:0015356.

Submission:

Ambry Genetics
Classification: Pathogenic for Hereditary cancer-predisposing syndrome. Last evaluated: 2024-10-01. Review status: criteria provided, single submitter. Criteria: Ambry Variant Classification Scheme 2023. Collection method: clinical testing. Allele origin: germline.
Comment: The c.636dupT pathogenic mutation, located in coding exon 6 of the SDHB gene, results from a duplication of T at nucleotide position 636, causing a translational frameshift with a predicted alternate stop codon (p.M213Yfs*9). This variant is considered to be rare based on population cohorts in the Genome Aggregation Database (gnomAD). This alteration is expected to result in loss of function by premature protein truncation or nonsense-mediated mRNA decay. As such, this alteration is interpreted as a disease-causing mutation.

NM_003000.3(SDHB):c.636dup (p.Met213fs)

Gene: SDHB (succinate dehydrogenase complex iron sulfur subunit B; minus strand). Cytogenetic location: 1p36.13.
Variant type: Duplication.
Coding change: c.636dup on transcript NM_003000.3 (MANE Select); coding-DNA position 636, one base duplicated (T; older notation c.636dupT).
Protein change: p.Met213fs; shifts the reading frame from methionine 213.
Molecular consequence: frameshift variant.
Genome position (GRCh38, 1-based): chr1:17,023,979, A duplicated on the plus strand (T on the coding strand, the reverse complement: SDHB is on the minus strand); the first of 2 consecutive A bases (chr1:17,023,979-17,023,980); duplicating either gives the same sequence. VCF-style (leftmost placement, unchanged base first): chr1-17023978-T-TA. GRCh37 (hg19) VCF-style: chr1-17350473-T-TA.
Other names: c.582dup, p.Met195fs (NM_001407361.1); c.636dupT (NM_003000.2); short protein forms M195fs, M213fs.
Identifiers: ClinVar variation 3438762 (VCV003438762.1).